The following is an entry in ClinVar:

ClinVar aggregate classification (germline): Uncertain significance (1 of 4 stars; one submission).

Conditions:
Idiopathic generalized epilepsy. Also called: Generalised epilepsy; EIG. Identifiers: MedGen C0270850, MONDO:0005579, OMIM 600669.
Hyperaldosteronism, familial, type IV (HALD4). Also called: FH IV; ALDOSTERONISM, PRIMARY, AND HYPERTENSION. Identifiers: Orphanet 642671, MedGen C4310756, MONDO:0014875, OMIM 617027.

Submission:

Labcorp Genetics (formerly Invitae), Labcorp
Classification: Uncertain significance for Idiopathic generalized epilepsy; Hyperaldosteronism, familial, type IV. Last evaluated: 2025-01-28. Review status: criteria provided, single submitter. Criteria: Invitae Variant Classification Sherloc (09022015). Collection method: clinical testing. Allele origin: germline.
Comment: This sequence change replaces valine, which is neutral and non-polar, with isoleucine, which is neutral and non-polar, at codon 1409 of the CACNA1H protein (p.Val1409Ile). This variant is not present in population databases (gnomAD no frequency). This variant has not been reported in the literature in individuals affected with CACNA1H-related conditions. An algorithm developed to predict the effect of missense changes on protein structure and function (PolyPhen-2) suggests that this variant is likely to be disruptive. In summary, the available evidence is currently insufficient to determine the role of this variant in disease. Therefore, it has been classified as a Variant of Uncertain Significance.

NM_021098.3(CACNA1H):c.4225G>A (p.Val1409Ile)

Gene: CACNA1H (calcium voltage-gated channel subunit alpha1 H; plus strand). Cytogenetic location: 16p13.3.
Variant type: single nucleotide variant.
Coding change: c.4225G>A on transcript NM_021098.3 (MANE Select); coding-DNA position 4225, G replaced by A.
Protein change: p.Val1409Ile; replaces valine 1409 with isoleucine.
Molecular consequence: missense variant.
Genome position (GRCh38, 1-based): chr16:1,211,169, G>A. VCF-style: chr16-1211169-G-A. GRCh37 (hg19) VCF-style: chr16-1261169-G-A.
Other names: c.4225G>A, p.Val1409Ile (NM_001005407.2); short protein forms V1409I.
Identifiers: ClinVar variation 3748807 (VCV003748807.2).